The following is an entry in ClinVar:

ClinVar aggregate classification (germline): Uncertain significance. Review status: criteria provided, multiple submitters, no conflicts (2 of 4 stars). 2 submissions from 2 submitters: Uncertain significance (2). Last evaluated 2025-06-08.

Conditions:
Inborn genetic diseases. Identifiers: MedGen C0950123, MeSH D030342.

Allele frequency attached by ClinVar (database versions not stated): gnomAD exomes below 0.00001.
gnomAD v4.1: 4 of 1,613,964 alleles (0.00025%); highest among the groups gnomAD compares: Non-Finnish European, 0.00034%; no homozygotes.

Submissions (2):

Ambry Genetics
Classification: Uncertain significance for Inborn genetic diseases. Last evaluated: 2025-06-08. Review status: criteria provided, single submitter. Criteria: Ambry Variant Classification Scheme 2023. Collection method: clinical testing. Allele origin: germline.
Comment: The p.L854W variant (also known as c.2561T>G), located in coding exon 21 of the KDM1A gene, results from a T to G substitution at nucleotide position 2561. The leucine at codon 854 is replaced by tryptophan, an amino acid with similar properties. This amino acid position is conserved. In addition, the in silico prediction for this alteration is inconclusive. Based on the available evidence, the clinical significance of this variant remains unclear.

Labcorp Genetics (formerly Invitae), Labcorp
Classification: Uncertain significance. Last evaluated: 2025-01-20. Review status: criteria provided, single submitter. Criteria: Invitae Variant Classification Sherloc (09022015). Collection method: clinical testing. Allele origin: germline.
Comment: This sequence change replaces leucine, which is neutral and non-polar, with tryptophan, which is neutral and slightly polar, at codon 854 of the KDM1A protein (p.Leu854Trp). This variant is not present in population databases (gnomAD no frequency). This variant has not been reported in the literature in individuals affected with KDM1A-related conditions. ClinVar contains an entry for this variant (Variation ID: 2803856). Invitae Evidence Modeling of protein sequence and biophysical properties (such as structural, functional, and spatial information, amino acid conservation, physicochemical variation, residue mobility, and thermodynamic stability) indicates that this missense variant is expected to disrupt KDM1A protein function with a positive predictive value of 80%. In summary, the available evidence is currently insufficient to determine the role of this variant in disease. Therefore, it has been classified as a Variant of Uncertain Significance.

NM_001009999.3(KDM1A):c.2561T>G (p.Leu854Trp)

Gene: KDM1A (lysine demethylase 1A; plus strand). Cytogenetic location: 1p36.12.
Variant type: single nucleotide variant.
Coding change: c.2561T>G on transcript NM_001009999.3 (MANE Select); coding-DNA position 2561, T replaced by G.
Protein change: p.Leu854Trp; replaces leucine 854 with tryptophan.
Molecular consequence: missense variant. On other transcripts: 3 prime UTR variant (1).
Genome position (GRCh38, 1-based): chr1:23,083,294, T>G. VCF-style: chr1-23083294-T-G. GRCh37 (hg19) VCF-style: chr1-23409787-T-G.
Other names: c.2561T>G (NM_001009999.2); c.2507T>G, p.Leu836Trp (NM_001363654.2); c.2567T>G, p.Leu856Trp (NM_001410762.1); c.*809T>G (NM_001410763.1); c.2489T>G, p.Leu830Trp (NM_015013.4); short protein forms L854W, L856W, L830W, L836W.
Identifiers: ClinVar variation 2803856 (VCV002803856.4), dbSNP rs2522827620, ClinGen allele CA338972941.